The following is an entry in ClinVar:

NM_007294.4(BRCA1):c.81-14C>T

Gene: BRCA1 (BRCA1 DNA repair associated; minus strand). Cytogenetic location: 17q21.31.
Variant type: single nucleotide variant.
Coding change: c.81-14C>T on transcript NM_007294.4 (MANE Select); 14 bases into the intron before coding-DNA position 81, C replaced by T.
Molecular consequence: intron variant.
Genome position (GRCh38, 1-based): chr17:43,115,793, G>A on the plus strand (C>T on the coding strand, the complement: BRCA1 is on the minus strand). VCF-style: chr17-43115793-G-A. GRCh37 (hg19) VCF-style: chr17-41267810-G-A.
Other names: IVS2-14C>T; c.-61-14C>T (NM_001408458.1, NM_001408470.1, NM_001407848.1 and 47 more transcripts); c.-219+9484C>T (NM_001407967.1); c.-170+9484C>T (NM_001407959.1); c.-7-9260C>T (NM_001407931.1, NM_001407747.1, NM_001408511.1 and 2 more transcripts); c.-223-14C>T (NM_001407962.1, NM_001408512.1, NM_001408510.1 and 1 more transcripts); c.-108-14C>T (NM_001407885.1, NM_001407886.1, NM_001408509.1 and 52 more transcripts); c.-177-14C>T (NM_001407746.1, NM_001408468.1, NM_001407842.1 and 13 more transcripts); and 11 more.
Identifiers: ClinVar variation 37702 (VCV000037702.47), dbSNP rs80358006, ClinGen allele CA003902.

ClinVar aggregate classification (germline): Benign. Review status: reviewed by expert panel (3 of 4 stars). 25 submissions from 25 submitters: Benign (1). 24 of the submissions do not count toward it. Last evaluated 2019-06-18.

Conditions:
Breast and/or ovarian cancer. Identifiers: MedGen CN221562.
Hereditary cancer-predisposing syndrome. Also called: Tumor predisposition; Neoplastic Syndromes, Hereditary; Hereditary Cancer Syndrome; Hereditary neoplastic syndrome. Identifiers: Orphanet 140162, MedGen C0027672, MeSH D009386, MONDO:0015356.
Hereditary breast ovarian cancer syndrome. Also called: Hereditary breast and ovarian cancer syndrome (HBOC); Hereditary breast and ovarian cancer syndrome; Hereditary breast and ovarian cancer; Hereditary breast and/or ovarian cancer syndrome; Breast and ovarian cancer; BRCA1- and BRCA2-Associated Hereditary Breast and Ovarian Cancer. Identifiers: Orphanet 145, MedGen C0677776, MeSH D061325, MONDO:0003582. Disease mechanism: loss of function.
Breast-ovarian cancer, familial, susceptibility to, 1 (BROVCA1). Also called: OVARIAN CANCER, SUSCEPTIBILITY TO; BRCA1 Hereditary Breast and Ovarian Cancer. Identifiers: Orphanet 145, MedGen C2676676, MONDO:0011450, OMIM 604370. Disease mechanism: loss of function.
Familial cancer of breast. Also called: Hereditary breast cancer; hereditary breast carcinoma; BREAST CANCER, FAMILIAL. Identifiers: Orphanet 227535, MedGen C0346153, MONDO:0016419, OMIM 114480. Disease mechanism: loss of function.

Allele frequency attached by ClinVar (database versions not stated): TOPMed 0.00052; ESP Exome Variant Server 0.00069.
gnomAD v4.1: 1,064 of 1,610,512 alleles (0.066%); highest among the groups gnomAD compares: Non-Finnish European, 0.082%; 2 homozygotes.

Submissions (26):

Evidence-based Network for the Interpretation of Germline Mutant Alleles (ENIGMA)
Classification: Benign for Breast-ovarian cancer, familial, susceptibility to, 1. Last evaluated: 2019-06-18. Review status: reviewed by expert panel. Criteria: ENIGMA BRCA1/2 Classification Criteria (2017-06-29). Collection method: curation. Allele origin: germline.
Comment: IARC class based on posterior probability from multifactorial likelihood analysis, thresholds for class as per Plon et al. 2008 (PMID: 18951446). Class 1 based on posterior probability = 1.76E-08

Labcorp Genetics (formerly Invitae), Labcorp
Classification: Benign for Hereditary breast ovarian cancer syndrome. Last evaluated: 2026-02-03. Review status: criteria provided, single submitter. Criteria: Invitae Variant Classification Sherloc (09022015). Collection method: clinical testing. Allele origin: germline. Not counted in ClinVar's aggregate classification.

Center for Genomic Medicine, Rigshospitalet, Copenhagen University Hospital
Classification: Benign. Last evaluated: 2025-03-04. Review status: criteria provided, single submitter. Criteria: ACMG Guidelines, 2015. Collection method: clinical testing. Allele origin: germline. Not counted in ClinVar's aggregate classification.

ARUP Laboratories, Molecular Genetics and Genomics, ARUP Laboratories
Classification: Benign. Last evaluated: 2025-01-13. Review status: criteria provided, single submitter. Criteria: ARUP Molecular Germline Variant Investigation Process 2024. Collection method: clinical testing. Allele origin: germline. Not counted in ClinVar's aggregate classification.

Blueprint Genetics
Classification: Likely benign. Last evaluated: 2024-11-26. Review status: criteria provided, single submitter. Criteria: ACMG Guidelines, 2015. Collection method: clinical testing. Allele origin: germline. Not counted in ClinVar's aggregate classification.

CHEO Genetics Diagnostic Laboratory, Children's Hospital of Eastern Ontario
Classification: Likely benign for Breast and/or ovarian cancer. Last evaluated: 2021-09-20. Review status: criteria provided, single submitter. Criteria: ACMG Guidelines, 2015. Collection method: clinical testing. Allele origin: germline. Study: Canadian Open Genetics Repository. Not counted in ClinVar's aggregate classification.

Mendelics
Classification: Benign for Breast-ovarian cancer, familial, susceptibility to, 1. Last evaluated: 2019-05-28. Review status: criteria provided, single submitter. Criteria: Mendelics Assertion Criteria 2017. Collection method: clinical testing. Allele origin: unknown. Not counted in ClinVar's aggregate classification.

PreventionGenetics, part of Exact Sciences
Classification: Likely benign. Last evaluated: 2017-06-01. Review status: criteria provided, single submitter. Criteria: ACMG Guidelines, 2015. Collection method: clinical testing. Allele origin: germline. Not counted in ClinVar's aggregate classification.

Department of Pathology and Molecular Medicine, Queen's University
Classification: Likely benign. Last evaluated: 2017-04-20. Review status: criteria provided, single submitter. Criteria: ACMG Guidelines, 2015. Collection method: clinical testing. Allele origin: germline. Study: The Canadian Open Genetics Repository (COGR). Not counted in ClinVar's aggregate classification.

Cancer Genetics and Genomics Laboratory, British Columbia Cancer Agency
Classification: Benign. Last evaluated: 2017-04-18. Review status: criteria provided, single submitter. Criteria: ACMG Guidelines, 2015. Collection method: clinical testing. Allele origin: germline. Study: The Canadian Open Genetics Repository (COGR). Not counted in ClinVar's aggregate classification.

Baylor Genetics
Classification: Benign for Familial cancer of breast. Last evaluated: 2017-02-23. Review status: criteria provided, single submitter. Criteria: ACMG Guidelines, 2015. Collection method: clinical testing. Allele origin: germline. Inheritance: Autosomal dominant inheritance. Affected: no. Not counted in ClinVar's aggregate classification.

Color Diagnostics, LLC DBA Color Health
Classification: Benign for Hereditary cancer-predisposing syndrome. Last evaluated: 2015-03-04. Review status: criteria provided, single submitter. Criteria: ACMG Guidelines, 2015. Collection method: clinical testing. Allele origin: germline. Not counted in ClinVar's aggregate classification.

Molecular Genetics Laboratory, University of Michigan
Classification: Benign for Breast-ovarian cancer, familial, susceptibility to, 1. Last evaluated: 2014-11-03. Review status: criteria provided, single submitter. Criteria: ACMG Guidelines, 2015. Collection method: clinical testing. Allele origin: germline. Affected: yes. Not counted in ClinVar's aggregate classification.

GeneDx
Classification: Benign. Last evaluated: 2014-01-22. Review status: criteria provided, single submitter. Criteria: GeneDx Variant Classification (06012015). Collection method: clinical testing. Allele origin: germline. Affected: yes. Not counted in ClinVar's aggregate classification.
Comment: This variant is considered likely benign or benign based on one or more of the following criteria: it is a conservative change, it occurs at a poorly conserved position in the protein, it is predicted to be benign by multiple in silico algorithms, and/or has population frequency not consistent with disease.

BRCAlab, Lund University
Classification: Benign for Breast-ovarian cancer, familial, susceptibility to, 1. Last evaluated: 2020-03-02. Review status: no assertion criteria provided. Collection method: clinical testing. Allele origin: germline. Affected: yes. Not counted in ClinVar's aggregate classification.

Counsyl
Classification: Benign for Breast-ovarian cancer, familial 1. Last evaluated: 2014-04-18. Review status: no assertion criteria provided. Collection method: literature only. Allele origin: unknown. Inheritance: Autosomal dominant inheritance. Not counted in ClinVar's aggregate classification.

Sharing Clinical Reports Project (SCRP)
Classification: Benign for Breast-ovarian cancer, familial 1. Last evaluated: 2006-02-23. Review status: no assertion criteria provided. Collection method: clinical testing. Allele origin: germline. Not counted in ClinVar's aggregate classification.

Breast Cancer Information Core (BIC) (BRCA1)
Classification: Uncertain significance for Breast-ovarian cancer, familial 1. Last evaluated: 2002-05-29. Review status: no assertion criteria provided. Collection method: clinical testing. Allele origin: germline. Affected: yes. Observed: 53 variant alleles. Not counted in ClinVar's aggregate classification.

Brotman Baty Institute, University of Washington
No classification provided (evidence only). Condition: Breast-ovarian cancer, familial 1. Review status: no classification provided. Collection method: in vitro. Allele origin: not applicable. Functional consequence: functionally_normal. Not counted in ClinVar's aggregate classification.
ClinVar note: "not provided" was previously submitted as the classification for the variant. However, the classification appeared to be based only on an observation of functional data so it was converted to no classification on 2025-07-30.

Clinical Genetics DNA and cytogenetics Diagnostics Lab, Erasmus MC, Erasmus Medical Center
Classification: Benign. Review status: no assertion criteria provided. Collection method: clinical testing. Allele origin: germline. Affected: yes. Study: VKGL Data-share Consensus. Not counted in ClinVar's aggregate classification.

Clinical Genetics Laboratory, Department of Pathology, Netherlands Cancer Institute
Classification: Benign. Review status: no assertion criteria provided. Collection method: clinical testing. Allele origin: germline. Affected: yes. Study: VKGL Data-share Consensus. Not counted in ClinVar's aggregate classification.

Department of Pathology and Laboratory Medicine, Sinai Health System
Classification: Benign. Review status: no assertion criteria provided. Collection method: clinical testing. Allele origin: unknown. Affected: yes. Study: The Canadian Open Genetics Repository (COGR). Not counted in ClinVar's aggregate classification.
Comment: The c.81-14C>T was reported in the EPS project in 8 of 8600 (0.0009) in a European cohort and 1 of 4406 African American chromosomes, increasing the likelihood this is rare variant of unlikely clinical significance. Claes et al (2003) demonstrated by RT-PCR that there was no aberrant splicing increasing the likelihood this variant does not have clinical significance. dbSNPID rs80358006. This variant was identified in the UMD database 36x and it co-occurred with a second pathogenic variant 3 times. Judkins (2005) also report this variant as co-occurring with a second pathogenic variant, increasing the likelihood this variant does not have clinical significant. Myriad genetics classifies this variant as a polymorphsim (Personal communication). In summary, based on the above information, this variant is classified as benign.

Diagnostic Laboratory, Department of Genetics, University Medical Center Groningen
Classification: Benign for Breast-ovarian cancer, familial, susceptibility to, 1. Review status: no assertion criteria provided. Collection method: clinical testing. Allele origin: germline. Affected: yes. Study: VKGL Data-share Consensus. Not counted in ClinVar's aggregate classification.

Genome Diagnostics Laboratory, University Medical Center Utrecht
Classification: Likely benign. Review status: no assertion criteria provided. Collection method: clinical testing. Allele origin: germline. Affected: yes. Study: VKGL Data-share Consensus. Not counted in ClinVar's aggregate classification.

Joint Genome Diagnostic Labs from Nijmegen and Maastricht, Radboudumc and MUMC+
Classification: Likely benign. Review status: no assertion criteria provided. Collection method: clinical testing. Allele origin: germline. Affected: yes. Study: VKGL Data-share Consensus. Not counted in ClinVar's aggregate classification.

Laboratory of Diagnostic Genome Analysis, Leiden University Medical Center (LUMC)
Classification: Benign. Review status: no assertion criteria provided. Collection method: clinical testing. Allele origin: germline. Affected: yes. Study: VKGL Data-share Consensus. Not counted in ClinVar's aggregate classification.

Literature cited by the submitters: PubMed 31131967 (cited by Evidence-based Network for the Interpretation of Germline Mutant Alleles (ENIGMA)); PubMed 20054658 (cited by Counsyl); PubMed 21735045 (cited by Counsyl); PubMed 12759930 (cited by Counsyl); PubMed 23893897 (cited by Counsyl); PubMed 12955716 (cited by Counsyl); PubMed 18824701 (cited by Counsyl); PubMed 24667779 (cited by Counsyl); PubMed 16267036 (cited by Counsyl); PubMed 22505045 (cited by Counsyl).